The following is an entry in ClinVar:

ClinVar aggregate classification (germline): Uncertain significance (1 of 4 stars; one submission).

Conditions:
PKD2-related disorder. Also called: PKD2-related condition.

gnomAD v4.1: 4 of 1,373,004 alleles (0.00029%); highest among the groups gnomAD compares: African/African-American, 0.006%; no homozygotes.

Submission:

PreventionGenetics, part of Exact Sciences
Classification: Uncertain significance for PKD2-related condition. Last evaluated: 2026-03-24. Review status: criteria provided, single submitter. Criteria: ACMG Guidelines, 2015. Collection method: clinical testing. Allele origin: germline.
Comment: The PKD2 c.152G>C variant is predicted to result in the amino acid substitution p.Gly51Ala. To our knowledge, this variant has not been reported in the literature. This variant is reported in 0.012% of alleles in individuals of African descent in gnomAD. At this time, the clinical significance of this variant is uncertain due to the absence of conclusive functional and genetic evidence.

NM_000297.4(PKD2):c.152G>C (p.Gly51Ala)

Genes: PKD2 (polycystin 2, transient receptor potential cation channel; plus strand), LOC129992813 (ATAC-STARR-seq lymphoblastoid silent region 15559; plus strand). Cytogenetic location: 4q22.1.
Variant type: single nucleotide variant.
Coding change: c.152G>C on transcript NM_000297.4 (MANE Select); coding-DNA position 152, G replaced by C.
Protein change: p.Gly51Ala; replaces glycine 51 with alanine.
Molecular consequence: missense variant. On other transcripts: non-coding transcript variant (1).
Genome position (GRCh38, 1-based): chr4:88,007,885, G>C. VCF-style: chr4-88007885-G-C. GRCh37 (hg19) VCF-style: chr4-88929037-G-C.
Other names: c.152G>C, p.Gly51Ala (NM_001440544.1); short protein forms G51A.
Identifiers: ClinVar variation 4985724 (VCV004985724.1).